The following is an entry in ClinVar:

NM_000751.3(CHRND):c.662A>G (p.Asn221Ser)

Gene: CHRND (cholinergic receptor nicotinic delta subunit; plus strand). Cytogenetic location: 2q37.1.
Variant type: single nucleotide variant.
Coding change: c.662A>G on transcript NM_000751.3 (MANE Select); coding-DNA position 662, A replaced by G.
Protein change: p.Asn221Ser; replaces asparagine 221 with serine.
Molecular consequence: missense variant. On other transcripts: intron variant (1).
Genome position (GRCh38, 1-based): chr2:232,529,981, A>G. VCF-style: chr2-232529981-A-G. GRCh37 (hg19) VCF-style: chr2-233394691-A-G.
Other names: c.617A>G, p.Asn206Ser (NM_001256657.2); c.359A>G, p.Asn120Ser (NM_001311196.2); c.238+1325A>G (NM_001311195.2); short protein forms N221S, N120S, N206S.
Identifiers: ClinVar variation 949015 (VCV000949015.10), dbSNP rs774497252, ClinGen allele CA2168113.

ClinVar aggregate classification (germline): Uncertain significance. Review status: criteria provided, multiple submitters, no conflicts (2 of 4 stars). 2 submissions from 2 submitters: Uncertain significance (2). Last evaluated 2024-04-23.

Conditions:
Lethal multiple pterygium syndrome (LMPS). Identifiers: Orphanet 33108, MedGen C1854678, MONDO:0009668, OMIM 253290.

Allele frequency attached by ClinVar (database versions not stated): gnomAD exomes below 0.00001; TOPMed below 0.00001; ExAC 0.00001; gnomAD 0.00001.
gnomAD v4.1: 6 of 1,613,972 alleles (0.00037%); highest among the groups gnomAD compares: South Asian, 0.0022%; no homozygotes.

Submissions (2):

Revvity Omics, Revvity
Classification: Uncertain significance. Last evaluated: 2024-04-23. Review status: criteria provided, single submitter. Criteria: ACMG Guidelines, 2015. Collection method: clinical testing. Allele origin: germline.

Labcorp Genetics (formerly Invitae), Labcorp
Classification: Uncertain significance for Lethal multiple pterygium syndrome. Last evaluated: 2022-09-13. Review status: criteria provided, single submitter. Criteria: Invitae Variant Classification Sherloc (09022015). Collection method: clinical testing. Allele origin: germline.
Comment: In summary, the available evidence is currently insufficient to determine the role of this variant in disease. Therefore, it has been classified as a Variant of Uncertain Significance. This sequence change replaces asparagine, which is neutral and polar, with serine, which is neutral and polar, at codon 221 of the CHRND protein (p.Asn221Ser). This variant is present in population databases (rs774497252, gnomAD 0.0009%). This variant has not been reported in the literature in individuals affected with CHRND-related conditions. ClinVar contains an entry for this variant (Variation ID: 949015). Advanced modeling of protein sequence and biophysical properties (such as structural, functional, and spatial information, amino acid conservation, physicochemical variation, residue mobility, and thermodynamic stability) performed at Invitae indicates that this missense variant is not expected to disrupt CHRND protein function.